The following is an entry in ClinVar:

NM_031433.4(MFRP):c.901T>C (p.Cys301Arg)

Genes: C1QTNF5 (C1q and TNF related 5; minus strand), MFRP (membrane frizzled-related protein; minus strand). Cytogenetic location: 11q23.3.
Variant type: single nucleotide variant.
Coding change: c.901T>C on transcript NM_031433.4 (MANE Select); coding-DNA position 901, T replaced by C.
Protein change: p.Cys301Arg; replaces cysteine 301 with arginine.
Molecular consequence: missense variant. On other transcripts: 5 prime UTR variant (1).
Genome position (GRCh38, 1-based): chr11:119,344,389, A>G on the plus strand (T>C on the coding strand, the complement: MFRP is on the minus strand). VCF-style: chr11-119344389-A-G. GRCh37 (hg19) VCF-style: chr11-119215099-A-G.
Other names: c.-1736T>C (NM_015645.5); short protein forms C301R.
Identifiers: ClinVar variation 2039959 (VCV002039959.2), dbSNP rs780153143, ClinGen allele CA6320337.

ClinVar aggregate classification (germline): Uncertain significance. Review status: criteria provided, multiple submitters, no conflicts (2 of 4 stars). 2 submissions from 2 submitters: Uncertain significance (2). Last evaluated 2026-06-02.

Conditions:
MFRP-related disorder. Also called: MFRP-related disorders; MFRP-related condition.
Isolated microphthalmia 5. Also called: Posterior Microphthalmia with Retinitis Pigmentosa, Foveoschisis, and Optic Disc Drusen. Identifiers: Orphanet 251279, MedGen C1970236, MONDO:0012605, OMIM 611040.

Allele frequency attached by ClinVar (database versions not stated): gnomAD 0.00001; gnomAD exomes below 0.00001; TOPMed 0.00001; ExAC 0.00001.
gnomAD v4.1: 2 of 1,612,946 alleles (0.00012%); highest among the groups gnomAD compares: Non-Finnish European, 0.00017%; no homozygotes.

Submissions (2):

PreventionGenetics, part of Exact Sciences
Classification: Uncertain significance for MFRP-related condition. Last evaluated: 2026-06-02. Review status: criteria provided, single submitter. Criteria: ACMG Guidelines, 2015. Collection method: clinical testing. Allele origin: germline.
Comment: The MFRP c.901T>C variant is predicted to result in the amino acid substitution p.Cys301Arg. To our knowledge, this variant has not been reported in the literature. This variant is present in 0.0018% of alleles in individuals of European (Non-Finnish) descent in gnomAD. This missense variant is predicted damaging to the encoded protein (Liu et al. 2016. PMID:26555599). Although we suspect that this variant may be pathogenic, at this time, the clinical significance of this variant is uncertain due to the absence of conclusive functional and genetic evidence.

Labcorp Genetics (formerly Invitae), Labcorp
Classification: Uncertain significance for Isolated microphthalmia 5. Last evaluated: 2022-05-31. Review status: criteria provided, single submitter. Criteria: Invitae Variant Classification Sherloc (09022015). Collection method: clinical testing. Allele origin: germline.
Comment: This sequence change replaces cysteine, which is neutral and slightly polar, with arginine, which is basic and polar, at codon 301 of the MFRP protein (p.Cys301Arg). This variant is present in population databases (rs780153143, gnomAD 0.0009%). This variant has not been reported in the literature in individuals affected with MFRP-related conditions. Algorithms developed to predict the effect of missense changes on protein structure and function are either unavailable or do not agree on the potential impact of this missense change (SIFT: "Deleterious"; PolyPhen-2: "Probably Damaging"; Align-GVGD: "Class C0"). In summary, the available evidence is currently insufficient to determine the role of this variant in disease. Therefore, it has been classified as a Variant of Uncertain Significance.